The following is an entry in ClinVar:

NM_000388.4(CASR):c.1826C>T (p.Thr609Met)

Gene: CASR (calcium sensing receptor; plus strand). Cytogenetic location: 3q21.1.
Variant type: single nucleotide variant.
Coding change: c.1826C>T on transcript NM_000388.4 (MANE Select); coding-DNA position 1826, C replaced by T.
Protein change: p.Thr609Met; replaces threonine 609 with methionine.
Molecular consequence: missense variant.
Genome position (GRCh38, 1-based): chr3:122,283,780, C>T. VCF-style: chr3-122283780-C-T. GRCh37 (hg19) VCF-style: chr3-122002627-C-T.
Other names: c.1856C>T, p.Thr619Met (NM_001178065.2); short protein forms T609M, T619M.
Identifiers: ClinVar variation 410343 (VCV000410343.14), dbSNP rs759904153, ClinGen allele CA2569749.
Genomic context (GRCh38, chr3:122,283,780, plus strand): 5'-TCTGGTCCAATGAGAACCACACCTCCTGCATTGCCAAGGAGATCGAGTTTCTGTCGTGGA[C>T]GGAGCCCTTTGGGATCGCACTCACCCTCTTTGCCGTGCTGGGCATTTTCCTGACAGCCTT-3'
Protein context (NP_000379.3, residues 599-619): IAKEIEFLSW[Thr609Met]EPFGIALTLF

ClinVar aggregate classification (germline): Conflicting classifications of pathogenicity. Review status: criteria provided, conflicting classifications (1 of 4 stars). 2 submissions from 2 submitters: Uncertain significance (1); Likely benign (1). Last evaluated 2025-07-19.

Conditions:
Autosomal dominant hypocalcemia 1 (HYPOC1). Also called: HYPOCALCEMIA, FAMILIAL. Identifiers: MedGen C3715128, MONDO:0011013, OMIM 601198.
Familial hypocalciuric hypercalcemia (FHH). Also called: Familial benign hypercalcemia. Identifiers: Orphanet 405, MedGen C1809471, MONDO:0018458.
Nephrolithiasis/nephrocalcinosis. Identifiers: MedGen CN580796.

Allele frequency attached by ClinVar (database versions not stated): TOPMed below 0.00001; gnomAD 0.00001; gnomAD exomes 0.00001; ExAC 0.00002.
gnomAD v4.1: 8 of 1,613,954 alleles (0.0005%); highest among the groups gnomAD compares: African/African-American, 0.0027%; no homozygotes.

Submissions (2):

Labcorp Genetics (formerly Invitae), Labcorp
Classification: Likely benign for Familial hypocalciuric hypercalcemia; Autosomal dominant hypocalcemia 1. Last evaluated: 2025-07-19. Review status: criteria provided, single submitter. Criteria: Invitae Variant Classification Sherloc (09022015). Collection method: clinical testing. Allele origin: germline.

Ambry Genetics
Classification: Uncertain significance for Nephrolithiasis/nephrocalcinosis. Last evaluated: 2021-07-08. Review status: criteria provided, single submitter. Criteria: Ambry Variant Classification Scheme 2023. Collection method: clinical testing. Allele origin: germline.
Comment: The p.T609M variant (also known as c.1826C>T), located in coding exon 6 of the CASR gene, results from a C to T substitution at nucleotide position 1826. The threonine at codon 609 is replaced by methionine, an amino acid with similar properties. This amino acid position is conserved. In addition, the in silico prediction for this alteration is inconclusive. Since supporting evidence is limited at this time, the clinical significance of this alteration remains unclear.